The following is an entry in ClinVar:

ClinVar aggregate classification (germline): Benign. Review status: criteria provided, multiple submitters, no conflicts (2 of 4 stars). 3 submissions from 3 submitters: Benign (3). Last evaluated 2025-01-01.

Allele frequency attached by ClinVar (database versions not stated): 1000 Genomes Project 30x 0.00328; 1000 Genomes Project 0.00359; TOPMed 0.00753; gnomAD 0.00859 and 0.00893; gnomAD exomes 0.00868 and 0.01264; ExAC 0.00901; ESP Exome Variant Server 0.01077.
gnomAD v4.1: 19,651 of 1,614,040 alleles (1.2%); highest among the groups gnomAD compares: Non-Finnish European, 1.5%; 150 homozygotes.

Submissions (3):

CeGaT Center for Human Genetics Tuebingen
Classification: Benign. Last evaluated: 2025-01-01. Review status: criteria provided, single submitter. Criteria: CeGaT Center For Human Genetics Tuebingen Variant Classification Criteria Version 2. Collection method: clinical testing. Allele origin: germline. Affected: yes. Observed: 1 variant allele.
Comment: OSMR: BP4, BS1, BS2

Labcorp Genetics (formerly Invitae), Labcorp
Classification: Benign. Last evaluated: 2019-12-31. Review status: criteria provided, single submitter. Criteria: Invitae Variant Classification Sherloc (09022015). Collection method: clinical testing. Allele origin: germline.

Breakthrough Genomics
Classification: Benign. Review status: criteria provided, single submitter. Criteria: ACMG Guidelines, 2015. Collection method: not provided. Allele origin: germline. Inheritance: Autosomal dominant inheritance. Affected: yes.

NM_003999.3(OSMR):c.1090T>C (p.Tyr364His)

Gene: OSMR (oncostatin M receptor; plus strand). Cytogenetic location: 5p13.1.
Variant type: single nucleotide variant.
Coding change: c.1090T>C on transcript NM_003999.3 (MANE Select); coding-DNA position 1090, T replaced by C.
Protein change: p.Tyr364His; replaces tyrosine 364 with histidine.
Molecular consequence: missense variant.
Genome position (GRCh38, 1-based): chr5:38,903,980, T>C. VCF-style: chr5-38903980-T-C. GRCh37 (hg19) VCF-style: chr5-38904082-T-C.
Other names: c.1090T>C, p.Tyr364His (NM_001323505.2, NM_001323506.2, NM_001323507.2); short protein forms Y364H.
Identifiers: ClinVar variation 791577 (VCV000791577.18), dbSNP rs35117676, ClinGen allele CA3243951.